The following is an entry in ClinVar:

NM_001429.4(EP300):c.31C>T (p.Pro11Ser)

Gene: EP300 (EP300 lysine acetyltransferase; plus strand). Cytogenetic location: 22q13.2.
Variant type: single nucleotide variant.
Coding change: c.31C>T on transcript NM_001429.4 (MANE Select); coding-DNA position 31, C replaced by T.
Protein change: p.Pro11Ser; replaces proline 11 with serine.
Molecular consequence: missense variant.
Genome position (GRCh38, 1-based): chr22:41,093,035, C>T. VCF-style: chr22-41093035-C-T. GRCh37 (hg19) VCF-style: chr22-41489039-C-T.
Other names: c.31C>T, p.Pro11Ser (NM_001362843.2); c.31C>T (NM_001429.3); short protein forms P11S.
Identifiers: ClinVar variation 2195143 (VCV002195143.6), dbSNP rs762278198, ClinGen allele CA10252141.

ClinVar aggregate classification (germline): Conflicting classifications of pathogenicity. Review status: criteria provided, conflicting classifications (1 of 4 stars). 2 submissions from 2 submitters: Uncertain significance (1); Benign (1). Last evaluated 2025-07-24.

Conditions:
EP300-related disorder. Also called: EP300-related condition; EP300-related disorders.
Rubinstein-Taybi syndrome due to EP300 haploinsufficiency. Also called: EP300-Related Rubinstein-Taybi Syndrome; RUBINSTEIN-TAYBI SYNDROME 2. Identifiers: Orphanet 353284, Orphanet 783, MedGen C3150941, MONDO:0013364, OMIM 613684.

Allele frequency attached by ClinVar (database versions not stated): ExAC 0.00002; gnomAD exomes 0.00002; TOPMed 0.00004; gnomAD 0.00005.
gnomAD v4.1: 44 of 1,614,040 alleles (0.0027%); highest among the groups gnomAD compares: African/African-American, 0.011%; no homozygotes.

Submissions (2):

PreventionGenetics, part of Exact Sciences
Classification: Uncertain significance for EP300-related condition. Last evaluated: 2025-07-24. Review status: criteria provided, single submitter. Criteria: ACMG Guidelines, 2015. Collection method: clinical testing. Allele origin: germline.
Comment: The EP300 c.31C>T variant is predicted to result in the amino acid substitution p.Pro11Ser. To our knowledge, this variant has not been reported in the literature. This variant is reported in 0.020% of alleles in individuals of African descent in gnomAD. At this time, the clinical significance of this variant is uncertain due to the absence of conclusive functional and genetic evidence.

Labcorp Genetics (formerly Invitae), Labcorp
Classification: Benign for Rubinstein-Taybi syndrome due to EP300 haploinsufficiency. Last evaluated: 2024-06-22. Review status: criteria provided, single submitter. Criteria: Invitae Variant Classification Sherloc (09022015). Collection method: clinical testing. Allele origin: germline.